The following is an entry in ClinVar:

ClinVar aggregate classification (germline): Likely pathogenic (1 of 4 stars; one submission).

gnomAD v4.1: 1 of 1,613,204 alleles (0.000062%); highest among the groups gnomAD compares: Non-Finnish European, 0.000085%; no homozygotes.

Submission:

Labcorp Genetics (formerly Invitae), Labcorp
Classification: Likely pathogenic. Last evaluated: 2022-11-07. Review status: criteria provided, single submitter. Criteria: Invitae Variant Classification Sherloc (09022015). Collection method: clinical testing. Allele origin: germline.
Comment: Disruption of this splice site has been observed in individual(s) with plasminogen deficiency (PMID: 19373890). This variant is not present in population databases (gnomAD no frequency). This sequence change affects an acceptor splice site in intron 3 of the PLG gene. It is expected to disrupt RNA splicing. Variants that disrupt the donor or acceptor splice site typically lead to a loss of protein function (PMID: 16199547), and loss-of-function variants in PLG are known to be pathogenic (PMID: 16849641). In summary, the currently available evidence indicates that the variant is pathogenic, but additional data are needed to prove that conclusively. Therefore, this variant has been classified as Likely Pathogenic. Algorithms developed to predict the effect of sequence changes on RNA splicing suggest that this variant may disrupt the consensus splice site. This variant is also known as 8771 (A-to-G) in intron-C.

Literature cited by the submitters: PubMed 19373890; PubMed 16199547; PubMed 16849641.

NM_000301.5(PLG):c.293-2A>G

Gene: PLG (plasminogen; plus strand). Cytogenetic location: 6q26.
Variant type: single nucleotide variant.
Coding change: c.293-2A>G on transcript NM_000301.5 (MANE Select); the canonical splice acceptor site of the intron before coding-DNA position 293, A replaced by G.
Molecular consequence: splice acceptor variant.
Genome position (GRCh38, 1-based): chr6:160,711,075, A>G. VCF-style: chr6-160711075-A-G. GRCh37 (hg19) VCF-style: chr6-161132107-A-G.
Other names: c.293-2A>G (NM_001168338.1).
Identifiers: ClinVar variation 2734963 (VCV002734963.3), dbSNP rs2484324739, ClinGen allele CA366359003.
Genomic context (GRCh38, chr6:160,711,075, plus strand): 5'-TGTGCAGACCTTCATGTGGTGTCTTGTGAAAGACTTTGACCACTGTGTGGACTTCCCTTC[A>G]GTGTATCTCTCAGAGTGCAAGACTGGGAATGGAAAGAACTACAGAGGGACGATGTCCAAA-3'